The following is an entry in ClinVar:

ClinVar aggregate classification (germline): Pathogenic (1 of 4 stars; one submission).

Conditions:
Fetal anomalies with a likely genetic cause.

Submission:

Genetics Laboratory, Great Ormond Street Hospital NHS Foundation Trust, North Thames Genomic Laboratory Hub
Classification: Pathogenic for Fetal anomalies with a likely genetic cause. Last evaluated: 2026-03-30. Review status: criteria provided, single submitter. Criteria: ACGS Best Practice Guidelines for Variant Classification in Rare Disease 2024 v1.2. Collection method: clinical testing. Allele origin: germline. Affected: yes.
Comment: PM2_moderate, PVS1_very-strong

NM_015386.3(COG4):c.2148_2152del (p.Ala717fs)

Gene: COG4 (component of oligomeric golgi complex 4; minus strand). Cytogenetic location: 16q22.1.
Variant type: Deletion.
Coding change: c.2148_2152del on transcript NM_015386.3 (MANE Select); coding-DNA positions 2148 to 2152, 5 bases deleted (TGCCT; older notation c.2148_2152delTGCCT).
Protein change: p.Ala717fs; shifts the reading frame from alanine 717.
Molecular consequence: frameshift variant. On other transcripts: non-coding transcript variant (1).
Genome position (GRCh38, 1-based): chr16:70,481,442-70,481,446, AGGCA deleted on the plus strand (TGCCT on the coding strand, the reverse complement: COG4 is on the minus strand); deleting any 5 consecutive bases within chr16:70,481,442-70,481,447 gives the same sequence; the c. name uses the placement nearest the transcript's 3' end. VCF-style (leftmost placement, unchanged base first): chr16-70481441-TAGGCA-T. GRCh37 (hg19) VCF-style: chr16-70515344-TAGGCA-T.
Other names: c.2073_2077del, p.Ala692fs (NM_001195139.2); c.1722_1726del, p.Ala575fs (NM_001365426.1); short protein forms A575fs, A692fs, A717fs.
Identifiers: ClinVar variation 4851616 (VCV004851616.1).
Genomic context (GRCh38, chr16:70,481,441, plus strand): 5'-GCCATCTGGGAGAGCCGGGCAAACTTGTCTCGGATGGTCCAGGTGGTCACCGTGGTAAGG[TAGGCA>T]ATGAGCGACCTCAGCTCCTTGTCAAACTGCAGACCACCCAGCTGCAGGAGAACCCAAGCC-3'